The following is an entry in ClinVar:

ClinVar aggregate classification (germline): Uncertain significance (1 of 4 stars; one submission).

Conditions:
Cardiovascular phenotype. Identifiers: MedGen CN230736.

Submission:

Ambry Genetics
Classification: Uncertain significance for Cardiovascular phenotype. Last evaluated: 2026-07-01. Review status: criteria provided, single submitter. Criteria: Ambry Variant Classification Scheme 2023. Collection method: clinical testing. Allele origin: germline.
Comment: The c.1180_1197del18 variant (also known as p.H394_M399del) is located in coding exon 14 of the RYR2 gene. This variant results from an in-frame CATCATGAAGGCCACATG deletion at nucleotide positions 1180 to 1197. This variant was reported in a catecholaminergic polymorphic ventricular tachycardia (CPVT) genetic testing cohort (Kapplinger JD et al. Circ Genom Precis Med, 2018 Feb;11:e001424). This results in the in-frame deletion of 6 residues (HHEGHM) at codon 394 to 399. This amino acid region ranges from well conserved to highly conserved in available vertebrate species. In addition, this variant is predicted to be deleterious by in silico analysis (Choi Y et al. PLoS ONE. 2012; 7(10):e46688). Based on the available evidence, the clinical significance of this variant remains unclear.

Literature cited by the submitters: PubMed 29453246.

NM_001035.3(RYR2):c.1180_1197del (p.His394_Met399del)

Gene: RYR2 (ryanodine receptor 2; plus strand). Cytogenetic location: 1q43.
Variant type: Deletion.
Coding change: c.1180_1197del on transcript NM_001035.3 (MANE Select); coding-DNA positions 1180 to 1197, 18 bases deleted (CATCATGAAGGCCACATG).
Protein change: p.His394_Met399del.
Genome position (GRCh38, 1-based): chr1:237,445,410-237,445,427, CATCATGAAGGCCACATG deleted; deleting any 18 consecutive bases within chr1:237,445,407-237,445,427 gives the same sequence; the c. name uses the placement nearest the transcript's 3' end. VCF-style (leftmost placement, unchanged base first): chr1-237445406-TATGCATCATGAAGGCCAC-T. GRCh37 (hg19) VCF-style: chr1-237608706-TATGCATCATGAAGGCCAC-T.
Identifiers: ClinVar variation 5028667 (VCV005028667.1).